The following is an entry in ClinVar:

NM_001458.5(FLNC):c.640C>T (p.Pro214Ser)

Gene: FLNC (filamin C; plus strand). Cytogenetic location: 7q32.1.
Variant type: single nucleotide variant.
Coding change: c.640C>T on transcript NM_001458.5 (MANE Select); coding-DNA position 640, C replaced by T.
Protein change: p.Pro214Ser; replaces proline 214 with serine.
Molecular consequence: missense variant.
Genome position (GRCh38, 1-based): chr7:128,837,198, C>T. VCF-style: chr7-128837198-C-T. GRCh37 (hg19) VCF-style: chr7-128477252-C-T.
Other names: c.640C>T, p.Pro214Ser (NM_001127487.2); short protein forms P214S.
Identifiers: ClinVar variation 3515931 (VCV003515931.1).
Genomic context (GRCh38, chr7:128,837,198, plus strand): 5'-TCTCCCTCCATCACCTCTCCAGGTCTCTGCCCCGACTGGGAGGCCTGGGACCCCAACCAG[C>T]CCGTGGAGAACGCCCGGGAGGCCATGCAGCAGGCCGACGACTGGCTTGGGGTGCCCCAGG-3'
Protein context (NP_001449.3, residues 204-224): PDWEAWDPNQ[Pro214Ser]VENAREAMQQ

ClinVar aggregate classification (germline): Uncertain significance (1 of 4 stars; one submission).

Conditions:
Cardiovascular phenotype. Identifiers: MedGen CN230736.

gnomAD v4.1: 1 of 1,603,892 alleles (0.000062%); highest among the groups gnomAD compares: Non-Finnish European, 0.000085%; no homozygotes.

Submission:

Ambry Genetics
Classification: Uncertain significance for Cardiovascular phenotype. Last evaluated: 2024-06-28. Review status: criteria provided, single submitter. Criteria: Ambry Variant Classification Scheme 2023. Collection method: clinical testing. Allele origin: germline.
Comment: The p.P214S variant (also known as c.640C>T), located in coding exon 3 of the FLNC gene, results from a C to T substitution at nucleotide position 640. The proline at codon 214 is replaced by serine, an amino acid with similar properties. This amino acid position is conserved. In addition, this alteration is predicted to be deleterious by in silico analysis. Based on the available evidence, the clinical significance of this variant remains unclear.